The following is an entry in ClinVar:

NM_001042472.3(ABHD12):c.65C>T (p.Ser22Phe)

Genes: ABHD12 (abhydrolase domain containing 12, lysophospholipase; minus strand), LOC130065586 (ATAC-STARR-seq lymphoblastoid silent region 12752; plus strand). Cytogenetic location: 20p11.21.
Variant type: single nucleotide variant.
Coding change: c.65C>T on transcript NM_001042472.3 (MANE Select); coding-DNA position 65, C replaced by T.
Protein change: p.Ser22Phe; replaces serine 22 with phenylalanine.
Molecular consequence: missense variant.
Genome position (GRCh38, 1-based): chr20:25,390,639, G>A on the plus strand (C>T on the coding strand, the complement: ABHD12 is on the minus strand). VCF-style: chr20-25390639-G-A. GRCh37 (hg19) VCF-style: chr20-25371275-G-A.
Other names: c.65C>T, p.Ser22Phe (NM_015600.5); short protein forms S22F.
Identifiers: ClinVar variation 1491408 (VCV001491408.6), dbSNP rs1478859533, ClinGen allele CA408445264.
Genomic context (GRCh38, chr20:25,390,639, plus strand): 5'-AGGCGTAGGTTCTGCTTCAGGCGGCAGTCGGCGTCCAGCGCCGCGGCGGCCGAGCCGGAG[G>A]AGGACGAGCCCGCGGCGGCGCAGCGCTCATGCTCCAAGGCGACGGGCTCGGTCCGCTTCC-3'
Protein context (NP_001035937.1, residues 12-32): HERCAAAGSS[Ser22Phe]SGSAAAALDA

ClinVar aggregate classification (germline): Uncertain significance (1 of 4 stars; one submission).

Allele frequency attached by ClinVar (database versions not stated): gnomAD 0.00001; TOPMed 0.00002; gnomAD exomes 0.00003.
gnomAD v4.1: 8 of 1,452,924 alleles (0.00055%); highest among the groups gnomAD compares: South Asian, 0.0013%; no homozygotes.

Submission:

Labcorp Genetics (formerly Invitae), Labcorp
Classification: Uncertain significance. Last evaluated: 2024-10-22. Review status: criteria provided, single submitter. Criteria: Invitae Variant Classification Sherloc (09022015). Collection method: clinical testing. Allele origin: germline.
Comment: This sequence change replaces serine, which is neutral and polar, with phenylalanine, which is neutral and non-polar, at codon 22 of the ABHD12 protein (p.Ser22Phe). This variant is present in population databases (no rsID available, gnomAD 0.004%). This variant has not been reported in the literature in individuals affected with ABHD12-related conditions. ClinVar contains an entry for this variant (Variation ID: 1491408). An algorithm developed to predict the effect of missense changes on protein structure and function (PolyPhen-2) suggests that this variant is likely to be tolerated. In summary, the available evidence is currently insufficient to determine the role of this variant in disease. Therefore, it has been classified as a Variant of Uncertain Significance.